The following is an entry in ClinVar:

ClinVar aggregate classification (germline): Uncertain significance (1 of 4 stars; one submission).

Conditions:
Inborn genetic diseases. Identifiers: MedGen C0950123, MeSH D030342.

Submission:

Ambry Genetics
Classification: Uncertain significance for Inborn genetic diseases. Last evaluated: 2023-03-19. Review status: criteria provided, single submitter. Criteria: Ambry Variant Classification Scheme 2023. Collection method: clinical testing. Allele origin: germline.
Comment: The p.T425I variant (also known as c.1274C>T), located in coding exon 13 of the ERCC2 gene, results from a C to T substitution at nucleotide position 1274. The threonine at codon 425 is replaced by isoleucine, an amino acid with similar properties. This amino acid position is conserved. In addition, the in silico prediction for this alteration is inconclusive. Since supporting evidence is limited at this time, the clinical significance of this alteration remains unclear.

NM_000400.4(ERCC2):c.1274C>T (p.Thr425Ile)

Gene: ERCC2 (ERCC excision repair 2, TFIIH core complex helicase subunit; minus strand). Cytogenetic location: 19q13.32.
Variant type: single nucleotide variant.
Coding change: c.1274C>T on transcript NM_000400.4 (MANE Select); coding-DNA position 1274, C replaced by T.
Protein change: p.Thr425Ile; replaces threonine 425 with isoleucine.
Molecular consequence: missense variant.
Genome position (GRCh38, 1-based): chr19:45,357,663, G>A on the plus strand (C>T on the coding strand, the complement: ERCC2 is on the minus strand). VCF-style: chr19-45357663-G-A. GRCh37 (hg19) VCF-style: chr19-45860921-G-A.
Other names: short protein forms T425I.
Identifiers: ClinVar variation 2566677 (VCV002566677.2), dbSNP rs2514013994, ClinGen allele CA406368083.